The following is an entry in ClinVar:

NM_001384140.1(PCDH15):c.446A>C (p.His149Pro)

Gene: PCDH15 (protocadherin related 15; minus strand). Cytogenetic location: 10q21.1.
Variant type: single nucleotide variant.
Coding change: c.446A>C on transcript NM_001384140.1 (MANE Select); coding-DNA position 446, A replaced by C.
Protein change: p.His149Pro; replaces histidine 149 with proline.
Molecular consequence: missense variant.
Genome position (GRCh38, 1-based): chr10:54,369,148, T>G on the plus strand (A>C on the coding strand, the complement: PCDH15 is on the minus strand). VCF-style: chr10-54369148-T-G. GRCh37 (hg19) VCF-style: chr10-56128908-T-G.
Other names: c.461A>C, p.His154Pro (NM_001142763.2, NM_001142769.4, NM_001142771.2); c.446A>C, p.His149Pro (NM_001142764.2, NM_001142765.2, NM_001142766.2 and 8 more transcripts); c.380A>C, p.His127Pro (NM_001142768.2, NM_001142773.2, NM_001354404.2); short protein forms H127P, H154P, H149P.
Identifiers: ClinVar variation 1985336 (VCV001985336.1), dbSNP rs201026048, ClinGen allele CA5506696.

ClinVar aggregate classification (germline): Uncertain significance (1 of 4 stars; one submission).

Allele frequency attached by ClinVar (database versions not stated): TOPMed below 0.00001; ExAC 0.00001; gnomAD 0.00001; 1000 Genomes Project 30x 0.00016; 1000 Genomes Project 0.00020.
gnomAD v4.1: 7 of 1,613,054 alleles (0.00043%); highest among the groups gnomAD compares: Middle Eastern, 0.017%; no homozygotes.

Submission:

Labcorp Genetics (formerly Invitae), Labcorp
Classification: Uncertain significance. Last evaluated: 2022-07-12. Review status: criteria provided, single submitter. Criteria: Invitae Variant Classification Sherloc (09022015). Collection method: clinical testing. Allele origin: germline.
Comment: This sequence change replaces histidine, which is basic and polar, with proline, which is neutral and non-polar, at codon 149 of the PCDH15 protein (p.His149Pro). This variant is present in population databases (rs201026048, gnomAD 0.007%). This variant has not been reported in the literature in individuals affected with PCDH15-related conditions. Algorithms developed to predict the effect of missense changes on protein structure and function are either unavailable or do not agree on the potential impact of this missense change (SIFT: "Deleterious"; PolyPhen-2: "Benign"; Align-GVGD: "Class C0"). In summary, the available evidence is currently insufficient to determine the role of this variant in disease. Therefore, it has been classified as a Variant of Uncertain Significance.